The following is an entry in ClinVar:

NM_001378743.1(CYLD):c.888A>G (p.Leu296=)

Gene: CYLD (CYLD lysine 63 deubiquitinase; plus strand). Cytogenetic location: 16q12.1.
Variant type: single nucleotide variant.
Coding change: c.888A>G on transcript NM_001378743.1 (MANE Select); coding-DNA position 888, A replaced by G.
Protein change: p.Leu296=; no amino-acid change (leucine 296 retained).
Molecular consequence: synonymous variant. On other transcripts: non-coding transcript variant (1).
Genome position (GRCh38, 1-based): chr16:50,754,399, A>G. VCF-style: chr16-50754399-A-G. GRCh37 (hg19) VCF-style: chr16-50788310-A-G.
Other names: c.888A>G, p.Leu296= (NM_001042355.2, NM_001042412.3, NM_001378744.1 and 10 more transcripts); c.222A>G, p.Leu74= (NM_001378754.1, NM_001378755.1).
Identifiers: ClinVar variation 3389032 (VCV003389032.14).

ClinVar aggregate classification (germline): Likely benign (1 of 4 stars; one submission).

gnomAD v4.1: 44 of 1,610,734 alleles (0.0027%); highest among the groups gnomAD compares: Middle Eastern, 0.017%; no homozygotes.

Submission:

CeGaT Center for Human Genetics Tuebingen
Classification: Likely benign. Last evaluated: 2024-10-01. Review status: criteria provided, single submitter. Criteria: CeGaT Center For Human Genetics Tuebingen Variant Classification Criteria Version 2. Collection method: clinical testing. Allele origin: germline. Affected: yes. Observed: 1 variant allele.
Comment: CYLD: BP4, BP7